The following is an entry in ClinVar:

NM_004168.4(SDHA):c.1716G>C (p.Met572Ile)

Gene: SDHA (succinate dehydrogenase complex flavoprotein subunit A; plus strand). Cytogenetic location: 5p15.33.
Variant type: single nucleotide variant.
Coding change: c.1716G>C on transcript NM_004168.4 (MANE Select); coding-DNA position 1716, G replaced by C.
Protein change: p.Met572Ile; replaces methionine 572 with isoleucine.
Molecular consequence: missense variant. On other transcripts: intron variant (1).
Genome position (GRCh38, 1-based): chr5:251,390, G>C. VCF-style: chr5-251390-G-C. GRCh37 (hg19) VCF-style: chr5-251505-G-C.
Other names: c.1572G>C, p.Met524Ile (NM_001294332.2); c.1552-3003G>C (NM_001330758.2); short protein forms M524I, M572I.
Identifiers: ClinVar variation 4161196 (VCV004161196.1).

ClinVar aggregate classification (germline): Uncertain significance (1 of 4 stars; one submission).

Conditions:
Hereditary cancer-predisposing syndrome. Also called: Neoplastic Syndromes, Hereditary; Tumor predisposition; Hereditary Cancer Syndrome; Hereditary neoplastic syndrome. Identifiers: Orphanet 140162, MedGen C0027672, MeSH D009386, MONDO:0015356.

Submission:

Ambry Genetics
Classification: Uncertain significance for Hereditary cancer-predisposing syndrome. Last evaluated: 2025-08-10. Review status: criteria provided, single submitter. Criteria: Ambry Variant Classification Scheme 2023. Collection method: clinical testing. Allele origin: germline.
Comment: The p.M572I variant (also known as c.1716G>C), located in coding exon 13 of the SDHA gene, results from a G to C substitution at nucleotide position 1716. The methionine at codon 572 is replaced by isoleucine, an amino acid with highly similar properties. This amino acid position is conserved. In addition, the in silico prediction for this alteration is inconclusive. Based on the available evidence, the clinical significance of this variant remains unclear.